The following is an entry in ClinVar:

ClinVar aggregate classification (germline): Likely benign. Review status: criteria provided, single submitter (1 of 4 stars). 2 submissions from 2 submitters: Likely benign (1). 1 of the submissions does not count toward it. Last evaluated 2025-06-27.

Conditions:
TXN2-related disorder. Also called: TXN2-related condition.

Allele frequency attached by ClinVar (database versions not stated): gnomAD exomes 0.00022 and 0.00064; gnomAD 0.00026 and 0.00036; ExAC 0.00065; TOPMed 0.00080; 1000 Genomes Project 0.00120; 1000 Genomes Project 30x 0.00156.
gnomAD v4.1: 383 of 1,614,126 alleles (0.024%); highest among the groups gnomAD compares: East Asian, 0.8%; 1 homozygote.

Submissions (2):

Labcorp Genetics (formerly Invitae), Labcorp
Classification: Likely benign. Last evaluated: 2025-06-27. Review status: criteria provided, single submitter. Criteria: Invitae Variant Classification Sherloc (09022015). Collection method: clinical testing. Allele origin: germline.

PreventionGenetics, part of Exact Sciences
Classification: Benign for TXN2-related condition. Last evaluated: 2019-12-19. Review status: no assertion criteria provided. Collection method: clinical testing. Allele origin: germline. Not counted in ClinVar's aggregate classification.
Comment: This variant is classified as benign based on ACMG/AMP sequence variant interpretation guidelines (Richards et al. 2015 PMID: 25741868, with internal and published modifications).

NM_012473.4(TXN2):c.156A>G (p.Ile52Met)

Gene: TXN2 (thioredoxin 2; minus strand). Cytogenetic location: 22q12.3.
Variant type: single nucleotide variant.
Coding change: c.156A>G on transcript NM_012473.4 (MANE Select); coding-DNA position 156, A replaced by G.
Protein change: p.Ile52Met; replaces isoleucine 52 with methionine.
Molecular consequence: missense variant.
Genome position (GRCh38, 1-based): chr22:36,480,682, T>C on the plus strand (A>G on the coding strand, the complement: TXN2 is on the minus strand). VCF-style: chr22-36480682-T-C. GRCh37 (hg19) VCF-style: chr22-36876729-T-C.
Other names: short protein forms I52M.
Identifiers: ClinVar variation 735043 (VCV000735043.11), dbSNP rs146269725, ClinGen allele CA10210887.